The following is an entry in ClinVar:

ClinVar aggregate classification (germline): Conflicting classifications of pathogenicity. Review status: criteria provided, conflicting classifications (1 of 4 stars). 2 submissions from 2 submitters: Uncertain significance (1); Likely benign (1). Last evaluated 2025-02-23.

Conditions:
Cardiovascular phenotype. Identifiers: MedGen CN230736.

Allele frequency attached by ClinVar (database versions not stated): ExAC 0.00001; TOPMed 0.00001; gnomAD 0.00002.
gnomAD v4.1: 26 of 1,605,502 alleles (0.0016%); highest among the groups gnomAD compares: African/African-American, 0.0027%; no homozygotes.

Submissions (2):

Labcorp Genetics (formerly Invitae), Labcorp
Classification: Uncertain significance. Last evaluated: 2025-02-23. Review status: criteria provided, single submitter. Criteria: Invitae Variant Classification Sherloc (09022015). Collection method: clinical testing. Allele origin: germline.
Comment: This sequence change replaces arginine, which is basic and polar, with histidine, which is basic and polar, at codon 510 of the EPHB4 protein (p.Arg510His). This variant is present in population databases (rs765931769, gnomAD 0.009%). This variant has not been reported in the literature in individuals affected with EPHB4-related conditions. ClinVar contains an entry for this variant (Variation ID: 2565157). Invitae Evidence Modeling of protein sequence and biophysical properties (such as structural, functional, and spatial information, amino acid conservation, physicochemical variation, residue mobility, and thermodynamic stability) has been performed for this missense variant. However, the output from this modeling did not meet the statistical confidence thresholds required to predict the impact of this variant on EPHB4 protein function. In summary, the available evidence is currently insufficient to determine the role of this variant in disease. Therefore, it has been classified as a Variant of Uncertain Significance.

Ambry Genetics
Classification: Likely benign for Cardiovascular phenotype. Last evaluated: 2023-05-29. Review status: criteria provided, single submitter. Criteria: Ambry Variant Classification Scheme 2023. Collection method: clinical testing. Allele origin: germline.

NM_004444.5(EPHB4):c.1529G>A (p.Arg510His)

Gene: EPHB4 (EPH receptor B4; minus strand). Cytogenetic location: 7q22.1.
Variant type: single nucleotide variant.
Coding change: c.1529G>A on transcript NM_004444.5 (MANE Select); coding-DNA position 1529, G replaced by A.
Protein change: p.Arg510His; replaces arginine 510 with histidine.
Molecular consequence: missense variant.
Genome position (GRCh38, 1-based): chr7:100,817,251, C>T on the plus strand (G>A on the coding strand, the complement: EPHB4 is on the minus strand). VCF-style: chr7-100817251-C-T. GRCh37 (hg19) VCF-style: chr7-100414873-C-T.
Other names: short protein forms R510H.
Identifiers: ClinVar variation 2565157 (VCV002565157.3), dbSNP rs765931769, ClinGen allele CA4392948.